The following is an entry in ClinVar:

NM_001103.4(ACTN2):c.122G>A (p.Arg41Lys)

Gene: ACTN2 (actinin alpha 2; plus strand). Cytogenetic location: 1q43.
Variant type: single nucleotide variant.
Coding change: c.122G>A on transcript NM_001103.4 (MANE Select); coding-DNA position 122, G replaced by A.
Protein change: p.Arg41Lys; replaces arginine 41 with lysine.
Molecular consequence: missense variant. On other transcripts: 5 prime UTR variant (1).
Genome position (GRCh38, 1-based): chr1:236,686,795, G>A. VCF-style: chr1-236686795-G-A. GRCh37 (hg19) VCF-style: chr1-236850095-G-A.
Other names: c.122G>A, p.Arg41Lys (NM_001278343.2); c.-700G>A (NM_001278344.2); short protein forms R41K.
Identifiers: ClinVar variation 296496 (VCV000296496.7), dbSNP rs781746567, ClinGen allele CA1472706.
Genomic context (GRCh38, chr1:236,686,795, plus strand): 5'-TCCAGGAGGAGGAGTGGGACCGCGACCTGCTCCTGGACCCAGCCTGGGAGAAGCAGCAGA[G>A]GAAGGTCAGCAGGGGCCCGCGGGCCGCCCGCGCGTGGTGGGGCCGGGTCCCCCGCGGGGC-3'
Protein context (NP_001094.1, residues 31-51): LLDPAWEKQQ[Arg41Lys]KTFTAWCNSH

ClinVar aggregate classification (germline): Uncertain significance. Review status: criteria provided, multiple submitters, no conflicts (2 of 4 stars). 2 submissions from 2 submitters: Uncertain significance (2). Last evaluated 2023-12-27.

Conditions:
Dilated cardiomyopathy 1AA (CMD1AA). Also called: CARDIOMYOPATHY, DILATED, 1AA, WITH OR WITHOUT LEFT VENTRICULAR NONCOMPACTION; CARDIOMYOPATHY, FAMILIAL HYPERTROPHIC, 23, WITH OR WITHOUT LEFT VENTRICULAR NONCOMPACTION; Cardiomyopathy, dilated, 1AA, with or without LVNC. Identifiers: Orphanet 154, MedGen C2677338, MONDO:0012808, OMIM 612158.
Primary familial hypertrophic cardiomyopathy (HCM). Identifiers: Orphanet 99739, MedGen C0949658, MeSH D024741, MONDO:0024573. Inheritance: Various modes of inheritance.

Allele frequency attached by ClinVar (database versions not stated): gnomAD exomes below 0.00001; ExAC 0.00001.
gnomAD v4.1: 1 of 1,517,782 alleles (0.000066%); highest among the groups gnomAD compares: East Asian, 0.0027%; no homozygotes.

Submissions (2):

Labcorp Genetics (formerly Invitae), Labcorp
Classification: Uncertain significance for Primary familial hypertrophic cardiomyopathy; Dilated cardiomyopathy 1AA. Last evaluated: 2023-12-27. Review status: criteria provided, single submitter. Criteria: Invitae Variant Classification Sherloc (09022015). Collection method: clinical testing. Allele origin: germline.
Comment: This sequence change replaces arginine, which is basic and polar, with lysine, which is basic and polar, at codon 41 of the ACTN2 protein (p.Arg41Lys). This variant is not present in population databases (gnomAD no frequency). This variant has not been reported in the literature in individuals affected with ACTN2-related conditions. ClinVar contains an entry for this variant (Variation ID: 296496). Advanced modeling of protein sequence and biophysical properties (such as structural, functional, and spatial information, amino acid conservation, physicochemical variation, residue mobility, and thermodynamic stability) performed at Invitae indicates that this missense variant is not expected to disrupt ACTN2 protein function with a negative predictive value of 80%. In summary, the available evidence is currently insufficient to determine the role of this variant in disease. Therefore, it has been classified as a Variant of Uncertain Significance.

Illumina Laboratory Services, Illumina
Classification: Uncertain significance for Dilated cardiomyopathy 1AA. Last evaluated: 2018-01-12. Review status: criteria provided, single submitter. Criteria: ICSL Variant Classification Criteria 13 December 2019. Collection method: clinical testing. Allele origin: germline.